The following is an entry in ClinVar:

ClinVar aggregate classification (germline): Uncertain significance (1 of 4 stars; one submission).

Conditions:
Inborn genetic diseases. Identifiers: MedGen C0950123, MeSH D030342.

Allele frequency attached by ClinVar (database versions not stated): ExAC 0.00001; gnomAD 0.00001; ESP Exome Variant Server 0.00008.
gnomAD v4.1: 1 of 1,610,298 alleles (0.000062%); highest among the groups gnomAD compares: African/African-American, 0.0013%; no homozygotes.

Submission:

Ambry Genetics
Classification: Uncertain significance for Inborn genetic diseases. Last evaluated: 2021-03-08. Review status: criteria provided, single submitter. Criteria: Ambry Variant Classification Scheme 2023. Collection method: clinical testing. Allele origin: germline.
Comment: The c.1514A>G (p.Q505R) alteration is located in exon 13 (coding exon 13) of the CCDC88C gene. This alteration results from a A to G substitution at nucleotide position 1514, causing the glutamine (Q) at amino acid position 505 to be replaced by an arginine (R). The p.Q505R alteration is predicted to be tolerated by in silico analysis. Based on insufficient or conflicting evidence, the clinical significance of this alteration remains unclear.

NM_001080414.4(CCDC88C):c.1514A>G (p.Gln505Arg)

Gene: CCDC88C (coiled-coil domain containing 88C; minus strand). Cytogenetic location: 14q32.11.
Variant type: single nucleotide variant.
Coding change: c.1514A>G on transcript NM_001080414.4 (MANE Select); coding-DNA position 1514, A replaced by G.
Protein change: p.Gln505Arg; replaces glutamine 505 with arginine.
Molecular consequence: missense variant.
Genome position (GRCh38, 1-based): chr14:91,321,133, T>C on the plus strand (A>G on the coding strand, the complement: CCDC88C is on the minus strand). VCF-style: chr14-91321133-T-C. GRCh37 (hg19) VCF-style: chr14-91787477-T-C.
Other names: short protein forms Q505R.
Identifiers: ClinVar variation 2229427 (VCV002229427.2), dbSNP rs377195223, ClinGen allele CA7309891.